The following is an entry in ClinVar:

NC_000002.11:g.(98732210_98735975)_(98744872_98750286)dup

Gene: VWA3B (von Willebrand factor A domain containing 3B; plus strand). Cytogenetic location: 2q11.2.
Variant type: Duplication.
Identifiers: ClinVar variation 3385284 (VCV003385284.1).

ClinVar aggregate classification (germline): Uncertain significance (1 of 4 stars; one submission).

Submission:

Women's Health and Genetics/Laboratory Corporation of America, LabCorp
Classification: Uncertain significance. Last evaluated: 2024-10-30. Review status: criteria provided, single submitter. Criteria: LabCorp Variant Classification Summary - May 2015. Collection method: clinical testing. Allele origin: germline.
Comment: Variant summary: The variant involves the duplication of exons 4-6 in the VWA3B gene. It is assumed to be a tandem duplication in direct orientation (PMIDs: 25640679, 30054569). This Copy Number Variant (CNV) is expected to alter the reading frame and predicted to result in a truncation or absence of the encoded protein. However loss of function is not established as a mechanism of disease and the gene disease association is limited. A presumed nomenclature of c.(291+1_292-1)_(872+1_873-1)dup has been designated for the purposes of this classification. The variant was absent in 21694 control chromosomes. The available data on variant occurrences in the general population are insufficient to allow any conclusion about variant significance. To our knowledge, no occurrence of c.(291+1_292-1)_(872+1_873-1)dup in individuals affected with Spinocerebellar Ataxia, Autosomal Recessive 22 and no experimental evidence demonstrating its impact on protein function have been reported. No submitters have cited clinical-significance assessments for this variant to ClinVar. Based on the evidence outlined above, the variant was classified as uncertain significance.